The following is an entry in ClinVar:

NM_001303256.3(MORC2):c.810C>G (p.Cys270Trp)

Gene: MORC2 (MORC family CW-type zinc finger 2; minus strand). Cytogenetic location: 22q12.2.
Variant type: single nucleotide variant.
Coding change: c.810C>G on transcript NM_001303256.3 (MANE Select); coding-DNA position 810, C replaced by G.
Protein change: p.Cys270Trp; replaces cysteine 270 with tryptophan.
Molecular consequence: missense variant.
Genome position (GRCh38, 1-based): chr22:30,941,447, G>C on the plus strand (C>G on the coding strand, the complement: MORC2 is on the minus strand). VCF-style: chr22-30941447-G-C. GRCh37 (hg19) VCF-style: chr22-31337434-G-C.
Other names: c.810C>G, p.Cys270Trp (NM_001303257.2); c.624C>G, p.Cys208Trp (NM_014941.3); short protein forms C208W, C270W.
Identifiers: ClinVar variation 3235749 (VCV003235749.2), dbSNP rs2517601712, ClinGen allele CA411241091.

ClinVar aggregate classification (germline): Likely pathogenic (1 of 4 stars; one submission).

Conditions:
Developmental delay, impaired growth, dysmorphic facies, and axonal neuropathy. Identifiers: MedGen C5436781, MONDO:0030835, OMIM 619090.

Submission:

Greenwood Genetic Center Diagnostic Laboratories, Greenwood Genetic Center
Classification: Likely pathogenic for Developmental delay, impaired growth, dysmorphic facies, and axonal neuropathy. Last evaluated: 2024-04-19. Review status: criteria provided, single submitter. Criteria: ACMG Guidelines, 2015. Collection method: clinical testing. Allele origin: germline. Affected: yes.
Comment: PM2, PM6, PP2, PP3